The following is an entry in ClinVar:

NM_001267550.2(TTN):c.36174C>G (p.Leu12058=)

Gene: TTN (titin; minus strand). Cytogenetic location: 2q31.2.
Variant type: single nucleotide variant.
Coding change: c.36174C>G on transcript NM_001267550.2 (MANE Select); coding-DNA position 36174, C replaced by G.
Protein change: p.Leu12058=; no amino-acid change (leucine 12058 retained).
Molecular consequence: synonymous variant. On other transcripts: intron variant (5).
Genome position (GRCh38, 1-based): chr2:178,664,682, G>C on the plus strand (C>G on the coding strand, the complement: TTN is on the minus strand). VCF-style: chr2-178664682-G-C. GRCh37 (hg19) VCF-style: chr2-179529409-G-C.
Other names: c.13283-22365C>G (NM_003319.4); c.13859-22365C>G (NM_133437.4); c.13658-22365C>G (NM_133432.3); c.31484-1627C>G (NM_133378.4); c.34265-1627C>G (NM_001256850.1).
Identifiers: ClinVar variation 1141738 (VCV001141738.10), dbSNP rs878910324, ClinGen allele CA60974776.
Genomic context (GRCh38, chr2:178,664,682, plus strand): 5'-TCCCACCCCTCTAAGCTTCCAGCAAGATATACCTTCATCAGGAAGGACTTCAGGCTTTCT[G>C]AGAGGAACCACAAGCGTTTTCTTTTCAGGGACAATTTCTTGGAGAGCTTCAGGCACTTTA-3'
Protein context (NP_001254479.2, residues 12048-12068): VPEKKTLVVP[Leu12058=]RKPEVLPDEV

ClinVar aggregate classification (germline): Likely benign. Review status: criteria provided, multiple submitters, no conflicts (2 of 4 stars). 2 submissions from 2 submitters: Likely benign (2). Last evaluated 2026-03-24.

Conditions:
TTN-related disorder. Also called: TTN-related condition; TTN-related disease; TTN-related disorders.
Autosomal recessive limb-girdle muscular dystrophy type 2J (LGMDR10). Also called: Limb-girdle muscular dystrophy, type 2J; MUSCULAR DYSTROPHY, LIMB-GIRDLE, AUTOSOMAL RECESSIVE 10. Identifiers: Orphanet 140922, MedGen C1837342, MONDO:0012127, OMIM 608807.
Dilated cardiomyopathy 1G (CMD1G). Identifiers: Orphanet 154, MedGen C1858763, MONDO:0011400, OMIM 604145.

Allele frequency attached by ClinVar (database versions not stated): gnomAD exomes below 0.00001; gnomAD 0.00003 and 0.00004; TOPMed 0.00004.
gnomAD v4.1: 6 of 1,612,392 alleles (0.00037%); highest among the groups gnomAD compares: African/African-American, 0.008%; no homozygotes.

Submissions (2):

PreventionGenetics, part of Exact Sciences
Classification: Likely benign for TTN-related condition. Last evaluated: 2026-03-24. Review status: criteria provided, single submitter. Criteria: ACMG Guidelines, 2015. Collection method: clinical testing. Allele origin: germline.
Comment: This variant is classified as likely benign based on ACMG/AMP sequence variant interpretation guidelines (Richards et al. 2015 PMID: 25741868, with internal and published modifications).

Labcorp Genetics (formerly Invitae), Labcorp
Classification: Likely benign for Dilated cardiomyopathy 1G; Autosomal recessive limb-girdle muscular dystrophy type 2J. Last evaluated: 2025-11-05. Review status: criteria provided, single submitter. Criteria: Invitae Variant Classification Sherloc (09022015). Collection method: clinical testing. Allele origin: germline.